The following is an entry in ClinVar:

ClinVar aggregate classification (germline): Uncertain significance (1 of 4 stars; one submission).

Conditions:
MAGEL2-related disorder. Also called: MAGEL2-related condition.

gnomAD v4.1: 19 of 1,613,850 alleles (0.0012%); highest among the groups gnomAD compares: Non-Finnish European, 0.0015%; no homozygotes.

Submission:

PreventionGenetics, part of Exact Sciences
Classification: Uncertain significance for MAGEL2-related condition. Last evaluated: 2026-05-07. Review status: criteria provided, single submitter. Criteria: ACMG Guidelines, 2015. Collection method: clinical testing. Allele origin: germline.
Comment: The MAGEL2 c.3082G>C variant is predicted to result in the amino acid substitution p.Val1028Leu. To our knowledge, this variant has not been reported in the literature. This variant is reported in 0.0016% of alleles in individuals of European (Non-Finnish) descent in gnomAD. At this time, the clinical significance of this variant is uncertain due to the absence of conclusive functional and genetic evidence.

NM_019066.5(MAGEL2):c.3082G>C (p.Val1028Leu)

Gene: MAGEL2 (MAGE family member L2; minus strand). Cytogenetic location: 15q11.2.
Variant type: single nucleotide variant.
Coding change: c.3082G>C on transcript NM_019066.5 (MANE Select); coding-DNA position 3082, G replaced by C.
Protein change: p.Val1028Leu; replaces valine 1028 with leucine.
Molecular consequence: missense variant.
Genome position (GRCh38, 1-based): chr15:23,644,661, C>G on the plus strand (G>C on the coding strand, the complement: MAGEL2 is on the minus strand). VCF-style: chr15-23644661-C-G. GRCh37 (hg19) VCF-style: chr15-23889808-C-G.
Other names: short protein forms V1028L.
Identifiers: ClinVar variation 4988255 (VCV004988255.1).
Genomic context (GRCh38, chr15:23,644,661, plus strand): 5'-TCACCATCTCCGAGCGCTGGACAGGCACCTTGGCTTGGTCCTTGACTAAGAGGAACTGCA[C>G]CAACGCATTTGCCCTCTCATCCAAGGGAGACAAGGGCTGTGCCTCCACCTTGGAATTATC-3'
Protein context (NP_061939.3, residues 1018-1038): SPLDERANAL[Val1028Leu]QFLLVKDQAK